The following is an entry in ClinVar:

NM_013339.4(ALG6):c.429+5G>A

Gene: ALG6 (ALG6 alpha-1,3-glucosyltransferase; plus strand). Cytogenetic location: 1p31.3.
Variant type: single nucleotide variant.
Coding change: c.429+5G>A on transcript NM_013339.4 (MANE Select); 5 bases into the intron after coding-DNA position 429, G replaced by A.
Molecular consequence: intron variant.
Genome position (GRCh38, 1-based): chr1:63,406,404, G>A. VCF-style: chr1-63406404-G-A. GRCh37 (hg19) VCF-style: chr1-63872075-G-A.
Identifiers: ClinVar variation 3703489 (VCV003703489.2).

ClinVar aggregate classification (germline): Uncertain significance (1 of 4 stars; one submission).

Conditions:
ALG6-congenital disorder of glycosylation 1C (CDG1C). Also called: CDG Ic; Congenital disorder of glycosylation, type Ic; CARBOHYDRATE-DEFICIENT GLYCOPROTEIN SYNDROME, TYPE I, WITH DEFICIENT GLYCOSYLATION OF DOLICHOL-LINKED OLIGOSACCHARIDE; CARBOHYDRATE-DEFICIENT GLYCOPROTEIN SYNDROME, TYPE V; Congenital disorder of glycosylation type 1C. Identifiers: Orphanet 79320, MedGen C2930997, MONDO:0011291, OMIM 603147.

gnomAD v4.1: 1 of 1,610,744 alleles (0.000062%); no homozygotes.

Submission:

Labcorp Genetics (formerly Invitae), Labcorp
Classification: Uncertain significance for ALG6-congenital disorder of glycosylation 1C. Last evaluated: 2024-08-07. Review status: criteria provided, single submitter. Criteria: Invitae Variant Classification Sherloc (09022015). Collection method: clinical testing. Allele origin: germline.
Comment: This sequence change falls in intron 6 of the ALG6 gene. It does not directly change the encoded amino acid sequence of the ALG6 protein. It affects a nucleotide within the consensus splice site. This variant is not present in population databases (gnomAD no frequency). This variant has not been reported in the literature in individuals affected with ALG6-related conditions. Variants that disrupt the consensus splice site are a relatively common cause of aberrant splicing (PMID: 17576681, 9536098). Algorithms developed to predict the effect of sequence changes on RNA splicing suggest that this variant may disrupt the consensus splice site. In summary, the available evidence is currently insufficient to determine the role of this variant in disease. Therefore, it has been classified as a Variant of Uncertain Significance.

Literature cited by the submitters: PubMed 17576681; PubMed 9536098.